The following is an entry in ClinVar:

NM_001080517.3(SETD5):c.1462A>G (p.Lys488Glu)

Gene: SETD5 (SET domain containing 5; plus strand). Cytogenetic location: 3p25.3.
Variant type: single nucleotide variant.
Coding change: c.1462A>G on transcript NM_001080517.3 (MANE Select); coding-DNA position 1462, A replaced by G.
Protein change: p.Lys488Glu; replaces lysine 488 with glutamic acid.
Molecular consequence: missense variant.
Genome position (GRCh38, 1-based): chr3:9,445,678, A>G. VCF-style: chr3-9445678-A-G. GRCh37 (hg19) VCF-style: chr3-9487362-A-G.
Other names: c.1168A>G, p.Lys390Glu (NM_001292043.2, NM_001349451.2); short protein forms K390E, K488E.
Identifiers: ClinVar variation 2507176 (VCV002507176.1), dbSNP rs2472853544, ClinGen allele CA351694045.
Genomic context (GRCh38, chr3:9,445,678, plus strand): 5'-AGAGCTTGAGTACAGCTGAATATTGCCTCTATCTTAAAGGAAGTAGACAATCCAGAAGAA[A>G]AACCAGAAGAAGAGAAAGAAGAGGTTATAGATGACCAGGAGAACCTAGCTCATAGCAGGA-3'
Protein context (NP_001073986.1, residues 478-498): DHEEVDNPEE[Lys488Glu]PEEEKEEVID

ClinVar aggregate classification (germline): Uncertain significance (1 of 4 stars; one submission).

Submission:

GeneDx
Classification: Uncertain significance. Last evaluated: 2023-06-29. Review status: criteria provided, single submitter. Criteria: GeneDx Variant Classification Process June 2021. Collection method: clinical testing. Allele origin: germline. Affected: yes.
Comment: Not observed at significant frequency in large population cohorts (gnomAD); In silico analysis supports that this missense variant does not alter protein structure/function; Has not been previously published as pathogenic or benign to our knowledge